The following is an entry in ClinVar:

ClinVar aggregate classification (germline): Uncertain significance. Review status: criteria provided, multiple submitters, no conflicts (2 of 4 stars). 2 submissions from 2 submitters: Uncertain significance (2). Last evaluated 2025-05-11.

Conditions:
Inborn genetic diseases. Identifiers: MedGen C0950123, MeSH D030342.

gnomAD v4.1: 20 of 1,612,854 alleles (0.0012%); highest among the groups gnomAD compares: African/African-American, 0.0067%; no homozygotes.

Submissions (2):

Ambry Genetics
Classification: Uncertain significance for Inborn genetic diseases. Last evaluated: 2025-05-11. Review status: criteria provided, single submitter. Criteria: Ambry Variant Classification Scheme 2023. Collection method: clinical testing. Allele origin: germline.

Labcorp Genetics (formerly Invitae), Labcorp
Classification: Uncertain significance. Last evaluated: 2022-06-09. Review status: criteria provided, single submitter. Criteria: Invitae Variant Classification Sherloc (09022015). Collection method: clinical testing. Allele origin: germline.
Comment: This sequence change replaces alanine, which is neutral and non-polar, with threonine, which is neutral and polar, at codon 417 of the LRPPRC protein (p.Ala417Thr). This variant is present in population databases (rs148843107, gnomAD 0.005%). This variant has not been reported in the literature in individuals affected with LRPPRC-related conditions. Advanced modeling of protein sequence and biophysical properties (such as structural, functional, and spatial information, amino acid conservation, physicochemical variation, residue mobility, and thermodynamic stability) performed at Invitae indicates that this missense variant is expected to disrupt LRPPRC protein function. In summary, the available evidence is currently insufficient to determine the role of this variant in disease. Therefore, it has been classified as a Variant of Uncertain Significance.

NM_133259.4(LRPPRC):c.1249G>A (p.Ala417Thr)

Gene: LRPPRC (leucine rich pentatricopeptide repeat containing; minus strand). Cytogenetic location: 2p21.
Variant type: single nucleotide variant.
Coding change: c.1249G>A on transcript NM_133259.4 (MANE Select); coding-DNA position 1249, G replaced by A.
Protein change: p.Ala417Thr; replaces alanine 417 with threonine.
Molecular consequence: missense variant.
Genome position (GRCh38, 1-based): chr2:43,973,807, C>T on the plus strand (G>A on the coding strand, the complement: LRPPRC is on the minus strand). VCF-style: chr2-43973807-C-T. GRCh37 (hg19) VCF-style: chr2-44200946-C-T.
Other names: c.1249G>A (NM_133259.3); short protein forms A417T.
Identifiers: ClinVar variation 1367800 (VCV001367800.7), dbSNP rs148843107, ClinGen allele CA1639050.